The following is an entry in ClinVar:

ClinVar aggregate classification (germline): Uncertain significance (1 of 4 stars; one submission).

Submission:

Labcorp Genetics (formerly Invitae), Labcorp
Classification: Uncertain significance. Last evaluated: 2025-08-21. Review status: criteria provided, single submitter. Criteria: Invitae Variant Classification Sherloc (09022015). Collection method: clinical testing. Allele origin: germline.
Comment: This sequence change falls in intron 46 of the CACNA1E gene. It does not directly change the encoded amino acid sequence of the CACNA1E protein. It affects a nucleotide within the consensus splice site. This variant is not present in population databases (gnomAD no frequency). This variant has not been reported in the literature in individuals affected with CACNA1E-related conditions. ClinVar contains an entry for this variant (Variation ID: 1393411). Variants that disrupt the consensus splice site are a relatively common cause of aberrant splicing (PMID: 17576681, 9536098). Algorithms developed to predict the effect of sequence changes on RNA splicing suggest that this variant is not likely to affect RNA splicing. In summary, the available evidence is currently insufficient to determine the role of this variant in disease. Therefore, it has been classified as a Variant of Uncertain Significance.

Literature cited by the submitters: PubMed 17576681; PubMed 9536098.

NM_001205293.3(CACNA1E):c.6399+6C>A

Gene: CACNA1E (calcium voltage-gated channel subunit alpha1 E; plus strand). Cytogenetic location: 1q25.3.
Variant type: single nucleotide variant.
Coding change: c.6399+6C>A on transcript NM_001205293.3 (MANE Select); 6 bases into the intron after coding-DNA position 6399, C replaced by A.
Molecular consequence: intron variant.
Genome position (GRCh38, 1-based): chr1:181,796,864, C>A. VCF-style: chr1-181796864-C-A. GRCh37 (hg19) VCF-style: chr1-181766000-C-A.
Other names: c.6270+6C>A (NM_000721.4); c.6213+6C>A (NM_001205294.2).
Identifiers: ClinVar variation 1393411 (VCV001393411.6), dbSNP rs368933098, ClinGen allele CA2573131301.